The following is an entry in ClinVar:

NM_000264.5(PTCH1):c.4138G>C (p.Ala1380Pro)

Gene: PTCH1 (patched 1; minus strand). Cytogenetic location: 9q22.32.
Variant type: single nucleotide variant.
Coding change: c.4138G>C on transcript NM_000264.5 (MANE Select); coding-DNA position 4138, G replaced by C.
Protein change: p.Ala1380Pro; replaces alanine 1380 with proline.
Molecular consequence: missense variant. On other transcripts: non-coding transcript variant (1).
Genome position (GRCh38, 1-based): chr9:95,447,118, C>G on the plus strand (G>C on the coding strand, the complement: PTCH1 is on the minus strand). VCF-style: chr9-95447118-C-G. GRCh37 (hg19) VCF-style: chr9-98209400-C-G.
Other names: c.3940G>C, p.Ala1314Pro (NM_001083602.3); c.4135G>C, p.Ala1379Pro (NM_001083603.3); c.3685G>C, p.Ala1229Pro (NM_001083604.3, NM_001083605.3, NM_001083606.3 and 1 more transcripts); c.3982G>C, p.Ala1328Pro (NM_001354918.2); short protein forms A1380P, A1314P, A1229P, A1379P, A1328P.
Identifiers: ClinVar variation 572988 (VCV000572988.13), dbSNP rs111481152, ClinGen allele CA374110244.

ClinVar aggregate classification (germline): Uncertain significance. Review status: criteria provided, multiple submitters, no conflicts (2 of 4 stars). 2 submissions from 2 submitters: Uncertain significance (2). Last evaluated 2021-02-25.

Conditions:
Gorlin syndrome. Also called: Nevoid Basal Cell Carcinoma Syndrome; Basal cell nevus syndrome. Identifiers: Orphanet 377, MedGen C0004779, MONDO:0007187.
Hereditary cancer-predisposing syndrome. Also called: Hereditary neoplastic syndrome; Neoplastic Syndromes, Hereditary; Hereditary Cancer Syndrome; Tumor predisposition. Identifiers: Orphanet 140162, MedGen C0027672, MeSH D009386, MONDO:0015356.

Submissions (2):

Ambry Genetics
Classification: Uncertain significance for Hereditary cancer-predisposing syndrome. Last evaluated: 2021-02-25. Review status: criteria provided, single submitter. Criteria: Ambry Variant Classification Scheme 2023. Collection method: clinical testing. Allele origin: germline.
Comment: The p.A1380P variant (also known as c.4138G>C), located in coding exon 23 of the PTCH1 gene, results from a G to C substitution at nucleotide position 4138. The alanine at codon 1380 is replaced by proline, an amino acid with highly similar properties. This amino acid position is highly conserved in available vertebrate species. In addition, this alteration is predicted to be deleterious by in silico analysis. Since supporting evidence is limited at this time, the clinical significance of this alteration remains unclear.

Labcorp Genetics (formerly Invitae), Labcorp
Classification: Uncertain significance for Gorlin syndrome. Last evaluated: 2019-11-28. Review status: criteria provided, single submitter. Criteria: Invitae Variant Classification Sherloc (09022015). Collection method: clinical testing. Allele origin: germline.
Comment: In summary, the available evidence is currently insufficient to determine the role of this variant in disease. Therefore, it has been classified as a Variant of Uncertain Significance. Algorithms developed to predict the effect of missense changes on protein structure and function do not agree on the potential impact of this missense change (SIFT: "Deleterious"; PolyPhen-2: "Possibly Damaging"; Align-GVGD: "Class C0"). This variant has not been reported in the literature in individuals with PTCH1-related disease. This variant is not present in population databases (ExAC no frequency). This sequence change replaces alanine with proline at codon 1380 of the PTCH1 protein (p.Ala1380Pro). The alanine residue is moderately conserved and there is a small physicochemical difference between alanine and proline.